The following is an entry in ClinVar:

ClinVar aggregate classification (germline): Uncertain significance (1 of 4 stars; one submission).

Conditions:
Osteogenesis imperfecta type I (OI1). Also called: Lobstein's Disease; Lobstein disease; Classic Non-deforming Osteogenesis Imperfecta with Blue Sclerae; OI, TYPE I; OSTEOGENESIS IMPERFECTA TARDA; OSTEOGENESIS IMPERFECTA WITH BLUE SCLERAE. Identifiers: Orphanet 216796, Orphanet 666, MedGen C0023931, MONDO:0008146, OMIM 166200. Disease mechanism: loss of function.

gnomAD v4.1: 1 of 1,471,604 alleles (0.000068%); highest among the groups gnomAD compares: Non-Finnish European, 0.00009%; no homozygotes.

Submission:

Labcorp Genetics (formerly Invitae), Labcorp
Classification: Uncertain significance for Osteogenesis imperfecta type I. Last evaluated: 2024-04-14. Review status: criteria provided, single submitter. Criteria: Invitae Variant Classification Sherloc (09022015). Collection method: clinical testing. Allele origin: germline.
Comment: This sequence change replaces proline, which is neutral and non-polar, with leucine, which is neutral and non-polar, at codon 152 of the COL1A1 protein (p.Pro152Leu). This variant is not present in population databases (gnomAD no frequency). This variant has not been reported in the literature in individuals affected with COL1A1-related conditions. Advanced modeling of protein sequence and biophysical properties (such as structural, functional, and spatial information, amino acid conservation, physicochemical variation, residue mobility, and thermodynamic stability) performed at Invitae indicates that this missense variant is not expected to disrupt COL1A1 protein function with a negative predictive value of 95%. In summary, the available evidence is currently insufficient to determine the role of this variant in disease. Therefore, it has been classified as a Variant of Uncertain Significance.

NM_000088.4(COL1A1):c.455C>T (p.Pro152Leu)

Gene: COL1A1 (collagen type I alpha 1 chain; minus strand). Cytogenetic location: 17q21.33.
Variant type: single nucleotide variant.
Coding change: c.455C>T on transcript NM_000088.4 (MANE Select); coding-DNA position 455, C replaced by T.
Protein change: p.Pro152Leu; replaces proline 152 with leucine.
Molecular consequence: missense variant.
Genome position (GRCh38, 1-based): chr17:50,199,242, G>A on the plus strand (C>T on the coding strand, the complement: COL1A1 is on the minus strand). VCF-style: chr17-50199242-G-A. GRCh37 (hg19) VCF-style: chr17-48276603-G-A.
Other names: short protein forms P152L.
Identifiers: ClinVar variation 3634736 (VCV003634736.2).